The following is an entry in ClinVar:

NM_000218.3(KCNQ1):c.1089C>T (p.His363=)

Gene: KCNQ1 (potassium voltage-gated channel subfamily Q member 1; plus strand). Cytogenetic location: 11p15.5.
Variant type: single nucleotide variant.
Coding change: c.1089C>T on transcript NM_000218.3 (MANE Select); coding-DNA position 1089, C replaced by T.
Protein change: p.His363=; no amino-acid change (histidine 363 retained).
Molecular consequence: synonymous variant. On other transcripts: intron variant (2).
Genome position (GRCh38, 1-based): chr11:2,585,268, C>T. VCF-style: chr11-2585268-C-T. GRCh37 (hg19) VCF-style: chr11-2606498-C-T.
Other names: c.819C>T, p.His273= (NM_001406837.1); c.708C>T, p.His236= (NM_181798.2); c.1032+1723C>T (NM_001406836.1); c.588+1723C>T (NM_001406838.1).
Identifiers: ClinVar variation 757527 (VCV000757527.12), dbSNP rs1589967006, ClinGen allele CA472038501.
Genomic context (GRCh38, chr11:2,585,268, plus strand): 5'-CCAGGGGATTCTTGGCTCGGGGTTTGCCCTGAAGGTGCAGCAGAAGCAGAGGCAGAAGCA[C>T]TTCAACCGGCAGATCCCGGCGGCAGCCTCACTCATTCAGGTGCGGTGCCTGCAAGGCCCT-3'
Protein context (NP_000209.2, residues 353-373): LKVQQKQRQK[His363=]FNRQIPAAAS

ClinVar aggregate classification (germline): Conflicting classifications of pathogenicity. Review status: criteria provided, conflicting classifications (1 of 4 stars). 3 submissions from 3 submitters: Uncertain significance (1); Likely benign (2). Last evaluated 2024-10-08.

Conditions:
Cardiovascular phenotype. Identifiers: MedGen CN230736.
Long QT syndrome (LQTS). Identifiers: MedGen C0023976, MeSH D008133, MONDO:0002442. Disease mechanism: loss of function. Inheritance: Various modes of inheritance.

Allele frequency attached by ClinVar (database versions not stated): gnomAD exomes below 0.00001.
gnomAD v4.1: 3 of 1,614,098 alleles (0.00019%); highest among the groups gnomAD compares: Middle Eastern, 0.016%; no homozygotes.

Submissions (3):

Labcorp Genetics (formerly Invitae), Labcorp
Classification: Likely benign for Long QT syndrome. Last evaluated: 2024-10-08. Review status: criteria provided, single submitter. Criteria: Invitae Variant Classification Sherloc (09022015). Collection method: clinical testing. Allele origin: germline.

All of Us Research Program, National Institutes of Health
Classification: Uncertain significance for Long QT syndrome. Last evaluated: 2023-08-23. Review status: criteria provided, single submitter. Criteria: ACMG Guidelines, 2015. Collection method: clinical testing. Allele origin: germline. Inheritance: Autosomal dominant inheritance. Observed: 1 variant allele, 1 heterozygote.
Comment: This variant is located in the KCNQ1 protein. To our knowledge, functional studies have not been reported for this variant. This variant has not been reported in individuals affected with KCNQ1-related disorders in the literature. This variant has not been identified in the general population by the Genome Aggregation Database (gnomAD). The available evidence is insufficient to determine the role of this variant in disease conclusively. Therefore, this variant is classified as a Variant of Uncertain Significance.

This study involves interpretation of variants in research participants for the purpose of population health screening. Participant phenotype was not available at the time of variant classification. Additional details can be found in publication PMID: 35346344, PMCID: PMC8962531

Ambry Genetics
Classification: Likely benign for Cardiovascular phenotype. Last evaluated: 2020-03-20. Review status: criteria provided, single submitter. Criteria: Ambry Variant Classification Scheme 2023. Collection method: clinical testing. Allele origin: germline.